The following is an entry in ClinVar:

NM_000535.7(PMS2):c.2342A>T (p.Gln781Leu)

Gene: PMS2 (PMS1 homolog 2, mismatch repair system component; minus strand). Cytogenetic location: 7p22.1.
Variant type: single nucleotide variant.
Coding change: c.2342A>T on transcript NM_000535.7 (MANE Select); coding-DNA position 2342, A replaced by T.
Protein change: p.Gln781Leu; replaces glutamine 781 with leucine.
Molecular consequence: missense variant. On other transcripts: non-coding transcript variant (1).
Genome position (GRCh38, 1-based): chr7:5,977,691, T>A on the plus strand (A>T on the coding strand, the complement: PMS2 is on the minus strand). VCF-style: chr7-5977691-T-A. GRCh37 (hg19) VCF-style: chr7-6017322-T-A.
Other names: c.1937A>T, p.Gln646Leu (NM_001322003.2, NM_001322004.2, NM_001322005.2 and 11 more transcripts); c.2186A>T, p.Gln729Leu (NM_001322006.2); c.2024A>T, p.Gln675Leu (NM_001322007.2, NM_001322008.2, NM_001406883.1); c.1970A>T, p.Gln657Leu (NM_001322009.2, NM_001406887.1, NM_001406888.1); c.1781A>T, p.Gln594Leu (NM_001322010.2, NM_001406906.1, NM_001406907.1); c.1409A>T, p.Gln470Leu (NM_001322011.2, NM_001322012.2); c.1769A>T, p.Gln590Leu (NM_001322013.2, NM_001406908.1, NM_001406909.1); c.2375A>T, p.Gln792Leu (NM_001322014.2); and 20 more; short protein forms Q745L, Q789L, Q470L, Q594L, Q725L, Q729L, Q781L, Q843L.
Identifiers: ClinVar variation 3308119 (VCV003308119.1).

ClinVar aggregate classification (germline): Uncertain significance (1 of 4 stars; one submission).

Conditions:
Hereditary cancer-predisposing syndrome. Also called: Tumor predisposition; Hereditary Cancer Syndrome; Hereditary neoplastic syndrome; Neoplastic Syndromes, Hereditary. Identifiers: Orphanet 140162, MedGen C0027672, MeSH D009386, MONDO:0015356.

Submission:

Ambry Genetics
Classification: Uncertain significance for Hereditary cancer-predisposing syndrome. Last evaluated: 2024-05-29. Review status: criteria provided, single submitter. Criteria: Ambry Variant Classification Scheme 2023. Collection method: clinical testing. Allele origin: germline.
Comment: The p.Q781L variant (also known as c.2342A>T), located in coding exon 14 of the PMS2 gene, results from an A to T substitution at nucleotide position 2342. The glutamine at codon 781 is replaced by leucine, an amino acid with dissimilar properties. This amino acid position is conserved. In addition, the in silico prediction for this alteration is inconclusive. Based on the available evidence, the clinical significance of this variant remains unclear.